The following is an entry in ClinVar:

ClinVar aggregate classification (germline): Uncertain significance (1 of 4 stars; one submission).

Conditions:
Alagille syndrome due to a JAG1 point mutation. Also called: HEPATIC DUCTULAR HYPOPLASIA, SYNDROMATIC; JAG1-Related Alagille Syndrome; Alagille Syndrome 1. Identifiers: Orphanet 261619, Orphanet 52, MedGen C1956125, MONDO:0016862, OMIM 118450.

Submission:

Labcorp Genetics (formerly Invitae), Labcorp
Classification: Uncertain significance for Alagille syndrome due to a JAG1 point mutation. Last evaluated: 2023-05-08. Review status: criteria provided, single submitter. Criteria: Invitae Variant Classification Sherloc (09022015). Collection method: clinical testing. Allele origin: germline.
Comment: In summary, the available evidence is currently insufficient to determine the role of this variant in disease. Therefore, it has been classified as a Variant of Uncertain Significance. Experimental studies and prediction algorithms are not available or were not evaluated, and the functional significance of this variant is currently unknown. ClinVar contains an entry for this variant (Variation ID: 1014401). This variant has not been reported in the literature in individuals affected with JAG1-related conditions. This variant is not present in population databases (gnomAD no frequency). This sequence change creates a premature translational stop signal (p.Thr1087Aspfs*22) in the JAG1 gene. While this is not anticipated to result in nonsense mediated decay, it is expected to disrupt the last 132 amino acid(s) of the JAG1 protein.

NM_000214.3(JAG1):c.3257dup (p.Thr1087fs)

Gene: JAG1 (jagged canonical Notch ligand 1; minus strand). Cytogenetic location: 20p12.2.
Variant type: Duplication.
Coding change: c.3257dup on transcript NM_000214.3 (MANE Select); coding-DNA position 3257, one base duplicated (T; older notation c.3257dupT).
Protein change: p.Thr1087fs; shifts the reading frame from threonine 1087.
Molecular consequence: frameshift variant.
Genome position (GRCh38, 1-based): chr20:10,639,898, A duplicated on the plus strand (T on the coding strand, the reverse complement: JAG1 is on the minus strand). VCF-style (leftmost placement, unchanged base first): chr20-10639897-C-CA. GRCh37 (hg19) VCF-style: chr20-10620545-C-CA.
Other names: short protein forms T1087fs.
Identifiers: ClinVar variation 1014401 (VCV001014401.6), dbSNP rs2067258384, ClinGen allele CA2349880134.